The following is an entry in ClinVar:

ClinVar aggregate classification (germline): Uncertain significance (1 of 4 stars; one submission).

Conditions:
Fanconi anemia (FA). Also called: Fanconi's anemia. Identifiers: Orphanet 84, MedGen C0015625, MeSH D005199, MONDO:0019391.

Allele frequency attached by ClinVar (database versions not stated): gnomAD 0.00001 and 0.00005; gnomAD exomes 0.00001 and 0.00004; TOPMed 0.00004; ExAC 0.00005; 1000 Genomes Project 0.00120; 1000 Genomes Project 30x 0.00141.
gnomAD v4.1: 30 of 1,614,200 alleles (0.0019%); highest among the groups gnomAD compares: Admixed American, 0.04%; no homozygotes.

Submission:

Labcorp Genetics (formerly Invitae), Labcorp
Classification: Uncertain significance for Fanconi anemia. Last evaluated: 2024-01-26. Review status: criteria provided, single submitter. Criteria: Invitae Variant Classification Sherloc (09022015). Collection method: clinical testing. Allele origin: germline.
Comment: This sequence change replaces asparagine, which is neutral and polar, with serine, which is neutral and polar, at codon 798 of the FANCI protein (p.Asn798Ser). This variant is present in population databases (rs548409550, gnomAD 0.02%). This variant has not been reported in the literature in individuals affected with FANCI-related conditions. ClinVar contains an entry for this variant (Variation ID: 582330). Advanced modeling of protein sequence and biophysical properties (such as structural, functional, and spatial information, amino acid conservation, physicochemical variation, residue mobility, and thermodynamic stability) performed at Invitae indicates that this missense variant is not expected to disrupt FANCI protein function with a negative predictive value of 80%. In summary, the available evidence is currently insufficient to determine the role of this variant in disease. Therefore, it has been classified as a Variant of Uncertain Significance.

NM_001113378.2(FANCI):c.2393A>G (p.Asn798Ser)

Gene: FANCI (FA complementation group I; plus strand). Cytogenetic location: 15q26.1.
Variant type: single nucleotide variant.
Coding change: c.2393A>G on transcript NM_001113378.2 (MANE Select); coding-DNA position 2393, A replaced by G.
Protein change: p.Asn798Ser; replaces asparagine 798 with serine.
Molecular consequence: missense variant.
Genome position (GRCh38, 1-based): chr15:89,293,934, A>G. VCF-style: chr15-89293934-A-G. GRCh37 (hg19) VCF-style: chr15-89837165-A-G.
Other names: c.2114A>G, p.Asn705Ser (NM_001376910.1); c.2393A>G, p.Asn798Ser (NM_001376911.1, NM_018193.3); short protein forms N798S, N705S.
Identifiers: ClinVar variation 582330 (VCV000582330.5), dbSNP rs548409550, ClinGen allele CA7723370.